The following is an entry in ClinVar:

ClinVar aggregate classification (germline): Uncertain significance. Review status: criteria provided, multiple submitters, no conflicts (2 of 4 stars). 3 submissions from 3 submitters: Uncertain significance (2). 1 of the submissions does not count toward it. Last evaluated 2024-05-06.

Conditions:
Hereditary cancer-predisposing syndrome. Also called: Hereditary neoplastic syndrome; Tumor predisposition; Neoplastic Syndromes, Hereditary; Hereditary Cancer Syndrome. Identifiers: Orphanet 140162, MedGen C0027672, MeSH D009386, MONDO:0015356.
Bloom syndrome (BLM). Also called: Bloom-Torre-Machacek syndrome. Identifiers: Orphanet 125, MedGen C0005859, MONDO:0008876, OMIM 210900.

Allele frequency attached by ClinVar (database versions not stated): gnomAD exomes below 0.00001; ExAC 0.00001.
gnomAD v4.1: 2 of 1,613,824 alleles (0.00012%); highest among the groups gnomAD compares: African/African-American, 0.0013%; no homozygotes.

Submissions (3):

Labcorp Genetics (formerly Invitae), Labcorp
Classification: Uncertain significance for Bloom syndrome. Last evaluated: 2024-05-06. Review status: criteria provided, single submitter. Criteria: Invitae Variant Classification Sherloc (09022015). Collection method: clinical testing. Allele origin: germline.
Comment: This sequence change replaces glycine, which is neutral and non-polar, with glutamic acid, which is acidic and polar, at codon 708 of the BLM protein (p.Gly708Glu). This variant is present in population databases (rs763559820, gnomAD 0.007%). This variant has not been reported in the literature in individuals affected with BLM-related conditions. ClinVar contains an entry for this variant (Variation ID: 655066). Advanced modeling of protein sequence and biophysical properties (such as structural, functional, and spatial information, amino acid conservation, physicochemical variation, residue mobility, and thermodynamic stability) performed at Invitae indicates that this missense variant is expected to disrupt BLM protein function with a positive predictive value of 80%. In summary, the available evidence is currently insufficient to determine the role of this variant in disease. Therefore, it has been classified as a Variant of Uncertain Significance.

Ambry Genetics
Classification: Uncertain significance for Hereditary cancer-predisposing syndrome. Last evaluated: 2020-01-29. Review status: criteria provided, single submitter. Criteria: Ambry Variant Classification Scheme 2023. Collection method: clinical testing. Allele origin: germline.
Comment: The p.G708E variant (also known as c.2123G>A), located in coding exon 8 of the BLM gene, results from a G to A substitution at nucleotide position 2123. The glycine at codon 708 is replaced by glutamic acid, an amino acid with similar properties. This amino acid position is highly conserved in available vertebrate species. In addition, this alteration is predicted to be deleterious by in silico analysis. Since supporting evidence is limited at this time, the clinical significance of this alteration remains unclear.

Natera, Inc.
Classification: Uncertain significance for Bloom syndrome. Last evaluated: 2018-09-30. Review status: no assertion criteria provided. Collection method: clinical testing. Allele origin: germline. Not counted in ClinVar's aggregate classification.

NM_000057.4(BLM):c.2123G>A (p.Gly708Glu)

Gene: BLM (BLM RecQ like helicase; plus strand). Cytogenetic location: 15q26.1.
Variant type: single nucleotide variant.
Coding change: c.2123G>A on transcript NM_000057.4 (MANE Select); coding-DNA position 2123, G replaced by A.
Protein change: p.Gly708Glu; replaces glycine 708 with glutamic acid.
Molecular consequence: missense variant.
Genome position (GRCh38, 1-based): chr15:90,765,344, G>A. VCF-style: chr15-90765344-G-A. GRCh37 (hg19) VCF-style: chr15-91308574-G-A.
Other names: c.2123G>A, p.Gly708Glu (NM_001287246.2, NM_001287247.2); c.998G>A, p.Gly333Glu (NM_001287248.2); c.2123G>A (NM_000057.2); short protein forms G333E, G708E.
Identifiers: ClinVar variation 655066 (VCV000655066.13), dbSNP rs763559820, ClinGen allele CA7738666.